The following is an entry in ClinVar:

ClinVar aggregate classification (germline): Pathogenic/Likely pathogenic. Review status: criteria provided, multiple submitters, no conflicts (2 of 4 stars). 5 submissions from 5 submitters: Pathogenic (2); Likely pathogenic (3). Last evaluated 2026-06-02.

Conditions:
Dominant dystrophic epidermolysis bullosa with absence of skin. Also called: EPIDERMOLYSIS BULLOSA WITH CONGENITAL LOCALIZED ABSENCE OF SKIN AND DEFORMITY OF NAILS; EPIDERMOLYSIS BULLOSA DYSTROPHICA, BART TYPE. Identifiers: MedGen C0268371, MONDO:0007557, OMIM 132000.
Nonsyndromic congenital nail disorder 8. Also called: TOENAIL DYSTROPHY, ISOLATED. Identifiers: MedGen C1843761, MONDO:0011852, OMIM 607523.
Generalized dominant dystrophic epidermolysis bullosa (DDEB). Also called: DDEB, generalized; DDEB-gen; DYSTROPHIC EPIDERMOLYSIS BULLOSA, AUTOSOMAL DOMINANT; Epidermolysis bullosa dystrophica, autosomal dominant; Dominant DEB (DDEB). Identifiers: Orphanet 231568, MedGen C0432322, MONDO:0007549, OMIM 131750.
Recessive dystrophic epidermolysis bullosa (RDEB). Also called: severe generalized recessive dystrophic epidermolysis bullosa; EPIDERMOLYSIS BULLOSA DYSTROPHICA, GENERALIZED SEVERE, AUTOSOMAL RECESSIVE; DYSTROPHIC EPIDERMOLYSIS BULLOSA, AUTOSOMAL RECESSIVE; EPIDERMOLYSIS BULLOSA DYSTROPHICA, HALLOPEAU-SIEMENS TYPE; epidermolysis bullosa dystrophica, autosomal recessive; Epidermolysis Bullosa Distrophica Autosomal Recessive (RDEB). Identifiers: Orphanet 79408, Orphanet 79409, MedGen C0079474, MONDO:0009179, OMIM 226600.
Epidermolysis bullosa pruriginosa. Also called: DEB, PRURIGINOSA; DYSTROPHIC EPIDERMOLYSIS BULLOSA PRURIGINOSA. Identifiers: Orphanet 89843, MedGen C1275114, MONDO:0011398, OMIM 604129.
Pretibial dystrophic epidermolysis bullosa. Also called: EPIDERMOLYSIS BULLOSA DYSTROPHICA, PRETIBIAL; Pretibial blistering; Pretibial epidermolysis bullosa. Identifiers: Orphanet 79410, MedGen C0432321, MONDO:0007552, OMIM 131850, HP:0012221.
Transient bullous dermolysis of the newborn (TBDN). Also called: DYSTROPHIC EPIDERMOLYSIS BULLOSA, NEONATAL; EPIDERMOLYSIS BULLOSA DYSTROPHICA, NEONATAL FORM. Identifiers: Orphanet 79411, MedGen C1851573, MONDO:0007548, OMIM 131705.
Epidermolysis bullosa dystrophica. Also called: Dystrophic epidermolysis bullosa, Hallopeau-Siemens type (formerly); Dystrophic epidermolysis bullosa. Identifiers: Orphanet 303, MedGen C0079294, MONDO:0006543.

Allele frequency attached by ClinVar (database versions not stated): gnomAD 0.00005; ExAC 0.00007; TOPMed 0.00009; 1000 Genomes Project 30x 0.00016; 1000 Genomes Project 0.00020.
gnomAD v4.1: 121 of 1,614,018 alleles (0.0075%); highest among the groups gnomAD compares: Admixed American, 0.03%; no homozygotes.

Submissions (5):

Women's Health and Genetics/Laboratory Corporation of America, LabCorp
Classification: Pathogenic for Generalized dominant dystrophic epidermolysis bullosa. Last evaluated: 2026-06-02. Review status: criteria provided, single submitter. Criteria: LabCorp Variant Classification Summary - May 2015. Collection method: clinical testing. Allele origin: germline.
Comment: Variant summary: COL7A1 c.7120G>A (p.Gly2374Arg) results in a non-conservative amino acid change in the encoded protein sequence. Algorithms developed to predict the effect of missense changes on protein structure and function all suggest that this variant is likely to be disruptive. The variant allele was found at a frequency of 6.8e-05 in 250802 control chromosomes. This frequency is not significantly higher than estimated for disease-causing variants in COL7A1, allowing no conclusion about variant significance. c.7120G>A has been observed in multiple individuals affected with features of Dystrophic Epidermolysis Bullosa, Dominant (Nischler_2009) and at least one individual affected with Dystrophic Epidermolysis Bullosa, Recessive (Labcorp, formerly Invitae). These data indicate that the variant is very likely to be associated with disease. To our knowledge, no experimental evidence demonstrating an impact on protein function has been reported. The following publication has been ascertained in the context of this evaluation (PMID: 2058547). ClinVar contains an entry for this variant (Variation ID: 631922). While this variant has been reported in an internal sample(s), the clinical significance of the variant for Dystrophic Epidermolysis Bullosa, Recessive could not be established. Based on the evidence outlined above, the variant was classified as pathogenic for Dystrophic Epidermolysis Bullosa, Dominant.

Labcorp Genetics (formerly Invitae), Labcorp
Classification: Pathogenic. Last evaluated: 2026-01-14. Review status: criteria provided, single submitter. Criteria: Invitae Variant Classification Sherloc (09022015). Collection method: clinical testing. Allele origin: germline.
Comment: This sequence change replaces glycine, which is neutral and non-polar, with arginine, which is basic and polar, at codon 2374 of the COL7A1 protein (p.Gly2374Arg). This variant is present in population databases (rs181430415, gnomAD 0.04%). This missense change has been observed in individual(s) with autosomal recessive epidermolysis bullosa dystrophica and/or nail dystrophy (PMID: 20585476; internal data). In at least one individual the data is consistent with being in trans (on the opposite chromosome) from a pathogenic variant. ClinVar contains an entry for this variant (Variation ID: 631922). Invitae Evidence Modeling of protein sequence and biophysical properties (such as structural, functional, and spatial information, amino acid conservation, physicochemical variation, residue mobility, and thermodynamic stability) indicates that this missense variant is expected to disrupt COL7A1 protein function with a positive predictive value of 95%. For these reasons, this variant has been classified as Pathogenic.

Natera, Inc.
Classification: Likely pathogenic for Dystrophic epidermolysis bullosa. Last evaluated: 2025-11-19. Review status: criteria provided, single submitter. Criteria: Natera Variant Classification Schema (03/2026). Collection method: clinical testing. Allele origin: germline.
Comment: The c.7120G>A variant in COL7A1 is a missense variant predicted to cause substitution of glycine to arginine at amino acid 2374. The frequency of this variant in the general population is greater than expected for disorder. This variant has been observed in affected individual(s) with monoallelic occurrence (heterozygous/hemizygous) (PMID: 20585476). Additionally, this variant has been observed to segregate in affected family members (PMID: 20585476). Computational prediction algorithms indicate this variant is likely to affect gene or protein function. Given the available evidence, this variant is classified as Likely Pathogenic.

Myriad Genetics, Inc.
Classification: Likely pathogenic for Recessive dystrophic epidermolysis bullosa. Last evaluated: 2025-06-17. Review status: criteria provided, single submitter. Criteria: Myriad Autosomal Dominant, Autosomal Recessive and X-Linked Classification Criteria (2023). Collection method: clinical testing. Allele origin: unknown.
Comment: NM_000094.3(COL7A1):c.7120G>A(G2374R) is a missense variant classified as likely pathogenic in the context of dystrophic epidermolysis bullosa. G2374R has been observed in a case with relevant disease (PMID: 20585476). Relevant functional assessments of this variant are not available in the literature. G2374R has been observed in referenced population frequency databases. In summary, NM_000094.3(COL7A1):c.7120G>A(G2374R) is a missense variant that has been observed more frequently in cases with the relevant disease than in healthy populations. Please note: this variant was assessed in the context of healthy population screening.

Fulgent Genetics
Classification: Likely pathogenic for Transient bullous dermolysis of the newborn; Generalized dominant dystrophic epidermolysis bullosa; Pretibial dystrophic epidermolysis bullosa; Dominant dystrophic epidermolysis bullosa with absence of skin; Recessive dystrophic epidermolysis bullosa; Epidermolysis bullosa pruriginosa; Nonsyndromic congenital nail disorder 8. Last evaluated: 2024-06-07. Review status: criteria provided, single submitter. Criteria: ACMG Guidelines, 2015. Collection method: clinical testing. Allele origin: germline.

Literature cited by the submitters: PubMed 20585476 (cited by 4 submitters).

NM_000094.4(COL7A1):c.7120G>A (p.Gly2374Arg)

Gene: COL7A1 (collagen type VII alpha 1 chain; minus strand). Cytogenetic location: 3p21.31.
Variant type: single nucleotide variant.
Coding change: c.7120G>A on transcript NM_000094.4 (MANE Select); coding-DNA position 7120, G replaced by A.
Protein change: p.Gly2374Arg; replaces glycine 2374 with arginine.
Molecular consequence: missense variant.
Genome position (GRCh38, 1-based): chr3:48,571,145, C>T on the plus strand (G>A on the coding strand, the complement: COL7A1 is on the minus strand). VCF-style: chr3-48571145-C-T. GRCh37 (hg19) VCF-style: chr3-48608578-C-T.
Other names: short protein forms G2374R.
Identifiers: ClinVar variation 631922 (VCV000631922.12), dbSNP rs181430415, ClinGen allele CA2378641.